The following is an entry in ClinVar:

NM_000487.6(ARSA):c.1129_1136dup (p.Tyr381fs)

Gene: ARSA (arylsulfatase A; minus strand). Cytogenetic location: 22q13.33.
Variant type: Duplication.
Coding change: c.1129_1136dup on transcript NM_000487.6 (MANE Select); coding-DNA positions 1129 to 1136, 8 bases duplicated (TTCTACCC; older notation c.1129_1136dupTTCTACCC).
Protein change: p.Tyr381fs; shifts the reading frame from tyrosine 381.
Molecular consequence: frameshift variant.
Genome position (GRCh38, 1-based): chr22:50,625,653-50,625,660, GGGTAGAA duplicated on the plus strand (TTCTACCC on the coding strand, the reverse complement: ARSA is on the minus strand); duplicating any 8 consecutive bases within chr22:50,625,653-50,625,661 gives the same sequence; the c. name uses the placement nearest the transcript's 3' end. VCF-style (leftmost placement, unchanged base first): chr22-50625652-C-CGGGTAGAA. GRCh37 (hg19) VCF-style: chr22-51064080-C-CGGGTAGAA.
Other names: c.1129_1136dup, p.Tyr381fs (NM_001085425.3, NM_001085426.3, NM_001085427.3); c.871_878dup, p.Tyr295fs (NM_001085428.3, NM_001362782.2); short protein forms Y295fs, Y381fs.
Identifiers: ClinVar variation 1675895 (VCV001675895.35), dbSNP rs2146717919, ClinGen allele CA2573158306.

ClinVar aggregate classification (germline): Pathogenic/Likely pathogenic. Review status: criteria provided, multiple submitters, no conflicts (2 of 4 stars). 2 submissions from 2 submitters: Pathogenic (1); Likely pathogenic (1). Last evaluated 2025-11-24.

Conditions:
Metachromatic leukodystrophy (MLD). Also called: METACHROMATIC LEUKOENCEPHALOPATHY; SULFATIDE LIPIDOSIS; Cerebral sclerosis diffuse metachromatic form; Arylsulfatase A Deficiency; ARSA DEFICIENCY; CEREBROSIDE SULFATASE DEFICIENCY. Identifiers: Orphanet 512, MedGen C0023522, MONDO:0018868, OMIM 250100.

Submissions (2):

Labcorp Genetics (formerly Invitae), Labcorp
Classification: Pathogenic for Metachromatic leukodystrophy. Last evaluated: 2025-11-24. Review status: criteria provided, single submitter. Criteria: Invitae Variant Classification Sherloc (09022015). Collection method: clinical testing. Allele origin: germline.
Comment: This sequence change creates a premature translational stop signal (p.Tyr381Thrfs*45) in the ARSA gene. While this is not anticipated to result in nonsense mediated decay, it is expected to disrupt the last 129 amino acid(s) of the ARSA protein. This variant is not present in population databases (gnomAD no frequency). This variant has not been reported in the literature in individuals affected with ARSA-related conditions. ClinVar contains an entry for this variant (Variation ID: 1675895). Algorithms developed to predict the effect of sequence changes on RNA splicing suggest that this variant may disrupt the consensus splice site. This variant disrupts a region of the ARSA protein in which other variant(s) (p.Cys491Gly) have been determined to be pathogenic (PMID: 15026521; internal data). This suggests that this is a clinically significant region of the protein, and that variants that disrupt it are likely to be disease-causing. For these reasons, this variant has been classified as Pathogenic.

CeGaT Center for Human Genetics Tuebingen
Classification: Likely pathogenic. Last evaluated: 2022-02-01. Review status: criteria provided, single submitter. Criteria: CeGaT Center For Human Genetics Tuebingen Variant Classification Criteria Version 2. Collection method: clinical testing. Allele origin: germline. Affected: yes. Observed: 1 variant allele.

Literature cited by the submitters: PubMed 15026521 (cited by Labcorp Genetics (formerly Invitae), Labcorp).